The following is an entry in ClinVar:

ClinVar aggregate classification (germline): Uncertain significance. Review status: criteria provided, multiple submitters, no conflicts (2 of 4 stars). 2 submissions from 2 submitters: Uncertain significance (2). Last evaluated 2023-09-06.

Conditions:
Hereditary cancer-predisposing syndrome. Also called: Neoplastic Syndromes, Hereditary; Tumor predisposition; Hereditary Cancer Syndrome; Hereditary neoplastic syndrome. Identifiers: Orphanet 140162, MedGen C0027672, MeSH D009386, MONDO:0015356.
Familial cancer of breast. Also called: BREAST CANCER, FAMILIAL; Hereditary breast cancer; hereditary breast carcinoma. Identifiers: Orphanet 227535, MedGen C0346153, MONDO:0016419, OMIM 114480. Disease mechanism: loss of function.

Submissions (2):

Baylor Genetics
Classification: Uncertain significance for Familial cancer of breast. Last evaluated: 2023-09-06. Review status: criteria provided, single submitter. Criteria: ACMG Guidelines, 2015. Collection method: clinical testing. Allele origin: unknown.

Ambry Genetics
Classification: Uncertain significance for Hereditary cancer-predisposing syndrome. Last evaluated: 2022-02-12. Review status: criteria provided, single submitter. Criteria: Ambry Variant Classification Scheme 2023. Collection method: clinical testing. Allele origin: germline.
Comment: The p.N72T variant (also known as c.215A>C), located in coding exon 2 of the BRCA2 gene, results from an A to C substitution at nucleotide position 215. The asparagine at codon 72 is replaced by threonine, an amino acid with similar properties. This amino acid position is conserved. In addition, this alteration is predicted to be tolerated by in silico analysis. Since supporting evidence is limited at this time, the clinical significance of this alteration remains unclear.

NM_000059.4(BRCA2):c.215A>C (p.Asn72Thr)

Gene: BRCA2 (BRCA2 DNA repair associated; plus strand). Cytogenetic location: 13q13.1.
Variant type: single nucleotide variant.
Coding change: c.215A>C on transcript NM_000059.4 (MANE Select); coding-DNA position 215, A replaced by C.
Protein change: p.Asn72Thr; replaces asparagine 72 with threonine.
Molecular consequence: missense variant.
Genome position (GRCh38, 1-based): chr13:32,319,224, A>C. VCF-style: chr13-32319224-A-C. GRCh37 (hg19) VCF-style: chr13-32893361-A-C.
Other names: c.215A>C, p.Asn72Thr (NM_001406719.1, NM_001406720.1, NM_001406721.1); c.-155A>C (NM_001406722.1); short protein forms N72T.
Identifiers: ClinVar variation 1786858 (VCV001786858.3), dbSNP rs276174818, ClinGen allele CA387754444.
Genomic context (GRCh38, chr13:32,319,224, plus strand): 5'-ATAAAAACAACAATTACGAACCAAACCTATTTAAAACTCCACAAAGGAAACCATCTTATA[A>C]TCAGCTGGCTTCAACTCCAATAATATTCAAAGAGCAAGGGCTGACTCTGCCGCTGTACCA-3'
Protein context (NP_000050.3, residues 62-82): FKTPQRKPSY[Asn72Thr]QLASTPIIFK